The following is an entry in ClinVar:

ClinVar aggregate classification (germline): Pathogenic. Review status: criteria provided, multiple submitters, no conflicts (2 of 4 stars). 2 submissions from 2 submitters: Pathogenic (2). Last evaluated 2025-08-05.

Conditions:
ADAR-related disorder. Also called: ADAR-related condition; ADAR-related disorders.

Allele frequency attached by ClinVar (database versions not stated): gnomAD exomes below 0.00001.
gnomAD v4.1: 1 of 1,614,102 alleles (0.000062%); highest among the groups gnomAD compares: Non-Finnish European, 0.000085%; no homozygotes.

Submissions (2):

GeneDx
Classification: Pathogenic. Last evaluated: 2025-08-05. Review status: criteria provided, single submitter. Criteria: GeneDx Variant Classification Process June 2021. Collection method: clinical testing. Allele origin: germline. Affected: yes.
Comment: Nonsense variant predicted to result in protein truncation or nonsense mediated decay in a gene for which loss of function is a known mechanism of disease; Not observed at significant frequency in large population cohorts (gnomAD); This variant is associated with the following publications: (PMID: 32593192, 26802932)

PreventionGenetics, part of Exact Sciences
Classification: Pathogenic for ADAR-related condition. Last evaluated: 2025-01-30. Review status: criteria provided, single submitter. Criteria: ACMG Guidelines, 2015. Collection method: clinical testing. Allele origin: germline.
Comment: The ADAR c.1600C>T variant is predicted to result in premature protein termination (p.Arg534*). This variant was reported in the compound heterozygous state in an individual with dyschromatosis symmetrica hereditaria with neurological symptoms and brain calcification (Kono et al. 2016. PubMed ID: 26802932) and in the presumed heterozygous state in an individual with dyschromatosis symmetrica hereditaria (Patient 8, Liu et al. 2020. PubMed ID: 32593192). This variant has not been reported in a large population database, indicating this variant is rare. Nonsense variants in ADAR are expected to be pathogenic. This variant is interpreted as pathogenic.

NM_001111.5(ADAR):c.1600C>T (p.Arg534Ter)

Gene: ADAR (adenosine deaminase RNA specific; minus strand). Cytogenetic location: 1q21.3.
Variant type: single nucleotide variant.
Coding change: c.1600C>T on transcript NM_001111.5 (MANE Select); coding-DNA position 1600, C replaced by T.
Protein change: p.Arg534Ter; replaces arginine 534 with a stop codon.
Molecular consequence: nonsense.
Genome position (GRCh38, 1-based): chr1:154,601,042, G>A on the plus strand (C>T on the coding strand, the complement: ADAR is on the minus strand). VCF-style: chr1-154601042-G-A. GRCh37 (hg19) VCF-style: chr1-154573518-G-A.
Other names: c.715C>T, p.Arg239Ter (NM_001025107.3, NM_001193495.2, NM_001365046.1 and 3 more transcripts); c.1627C>T, p.Arg543Ter (NM_001365045.1); c.1600C>T, p.Arg534Ter (NM_015840.4, NM_015841.4); short protein forms R239*, R534*, R543*.
Identifiers: ClinVar variation 2633764 (VCV002633764.3), dbSNP rs1364222107, ClinGen allele CA342595908.